The following is an entry in ClinVar:

NC_012920.1(MT-RNR1):m.956C>T

Gene: MT-RNR1 (mitochondrially encoded 12S RNA; plus strand).
Variant type: single nucleotide variant.
Genome position: chrM-956-C-T.
Identifiers: ClinVar variation 42232 (VCV000042232.4), dbSNP rs397515729, ClinGen allele CA131017.

ClinVar aggregate classification (germline): Uncertain significance (1 of 4 stars; one submission).

Submission:

Laboratory for Molecular Medicine, Mass General Brigham Personalized Medicine
Classification: Uncertain significance. Last evaluated: 2013-01-08. Review status: criteria provided, single submitter. Criteria: LMM Criteria. Collection method: clinical testing. Allele origin: germline. Observed: 1 variant allele.
Comment: Variant classified as Uncertain Significance - Favor Benign. The 956C>T variant in MTRNR1 has not been identified by our laboratory but has been reported once i n a publically available database. Mitochondrial v ariants follow a maternal inheritance pattern. Although penetrance of mitochondr ial variants can be reduced, given the lack of reported family history of hearin g loss in this family and no data to support a pathogenic role, we would lean to wards a more likely benign role for this variant. However, a conclusive interpre tation is not possible.